The following is an entry in ClinVar:

NM_177438.3(DICER1):c.1686del (p.Met562fs)

Gene: DICER1 (dicer 1, ribonuclease III; minus strand). Cytogenetic location: 14q32.13.
Variant type: Deletion.
Coding change: c.1686del on transcript NM_177438.3 (MANE Select); coding-DNA position 1686, one base deleted (G; older notation c.1686delG).
Protein change: p.Met562fs; shifts the reading frame from methionine 562.
Molecular consequence: frameshift variant.
Genome position (GRCh38, 1-based): chr14:95,116,519, C deleted on the plus strand (G on the coding strand, the reverse complement: DICER1 is on the minus strand). VCF-style (leftmost placement, unchanged base first): chr14-95116518-AC-A. GRCh37 (hg19) VCF-style: chr14-95582855-AC-A.
Other names: c.1686del, p.Met562fs (NM_001195573.1, NM_001271282.3, NM_030621.4 and 1 more transcripts); short protein forms M562fs.
Identifiers: ClinVar variation 819817 (VCV000819817.4), dbSNP rs1595410942, ClinGen allele CA915946412.
Genomic context (GRCh38, chr14:95,116,518, plus strand): 5'-CAATAGCTTTGTAGGTTTTAAGGTCTTCTTCAAAACTTTTTATTTTGTCTGTATCCGCTA[AC>A]ATTATATAATTAGAGATGGGTGCCCTTGCTCTTCCTTTAGATTGAACATAGGATCGATAT-3'

ClinVar aggregate classification (germline): Pathogenic (1 of 4 stars; one submission).

Conditions:
Hereditary cancer-predisposing syndrome. Also called: Neoplastic Syndromes, Hereditary; Tumor predisposition; Hereditary Cancer Syndrome; Hereditary neoplastic syndrome. Identifiers: Orphanet 140162, MedGen C0027672, MeSH D009386, MONDO:0015356.

Submission:

Ambry Genetics
Classification: Pathogenic for Hereditary cancer-predisposing syndrome. Last evaluated: 2019-01-10. Review status: criteria provided, single submitter. Criteria: Ambry Variant Classification Scheme 2023. Collection method: clinical testing. Allele origin: germline.
Comment: The c.1686delG pathogenic mutation, located in coding exon 9 of the DICER1 gene, results from a deletion of one nucleotide at nucleotide position 1686, causing a translational frameshift with a predicted alternate stop codon (p.M562Ifs*2). This alteration is expected to result in loss of function by premature protein truncation or nonsense-mediated mRNA decay. As such, this alteration is interpreted as a disease-causing mutation.